The following is an entry in ClinVar:

ClinVar aggregate classification (germline): Uncertain significance (0 of 4 stars; one submission).

Submission:

Department of Pathology and Laboratory Medicine, Sinai Health System
Classification: Uncertain significance. Review status: no assertion criteria provided. Collection method: clinical testing. Allele origin: unknown. Affected: yes. Study: The Canadian Open Genetics Repository (COGR).
Comment: The FSCN2 p.Gly350Ala variant was not identified in the literature nor was it identified in dbSNP, ClinVar, Cosmic, LOVD 3.0 or in the following control databases: the 1000 Genomes Project, the NHLBI GO Exome Sequencing Project, the Exome Aggregation Consortium (August 8th 2016), or the Genome Aggregation Database (Feb 27, 2017). The variant occurs outside of the splicing consensus sequence and in silico or computational prediction software programs (SpliceSiteFinder, MaxEntScan, NNSPLICE, GeneSplicer) do not predict a difference in splicing. The p.Gly350 residue is conserved across mammals and other organisms, and four out of five computational analyses (PolyPhen-2, SIFT, AlignGVGD, MutationTaster) suggest that the variant may impact the protein; however, this information is not predictive enough to assume pathogenicity. In summary, based on the above information the clinical significance of this variant cannot be determined with certainty at this time. This variant is classified as a variant of uncertain significance.

NM_012418.4(FSCN2):c.1049G>C (p.Gly350Ala)

Gene: FSCN2 (fascin actin-bundling protein 2, retinal; plus strand). Cytogenetic location: 17q25.3.
Variant type: single nucleotide variant.
Coding change: c.1049G>C on transcript NM_012418.4 (MANE Select); coding-DNA position 1049, G replaced by C.
Protein change: p.Gly350Ala; replaces glycine 350 with alanine.
Molecular consequence: missense variant.
Genome position (GRCh38, 1-based): chr17:81,536,211, G>C. VCF-style: chr17-81536211-G-C. GRCh37 (hg19) VCF-style: chr17-79503237-G-C.
Other names: c.1049G>C, p.Gly350Ala (NM_001077182.3); short protein forms G350A.
Identifiers: ClinVar variation 1049839 (VCV001049839.1), dbSNP rs2143903578, ClinGen allele CA401476707.
Genomic context (GRCh38, chr17:81,536,211, plus strand): 5'-CCAACACCATGTTTGAGATGGAGTGGCGTGGCCGGCGGGTAGCACTCAAAGCCAGCAACG[G>C]GCGCTACGTGTGCATGAAGAAGAATGGGCAGCTGGCGGCTATCAGCGATTTTGTCGGTGA-3'
Protein context (NP_036550.1, residues 340-360): GRRVALKASN[Gly350Ala]RYVCMKKNGQ